The following is an entry in ClinVar:

ClinVar aggregate classification (germline): Conflicting classifications of pathogenicity. Review status: criteria provided, conflicting classifications (1 of 4 stars). 5 submissions from 5 submitters: Uncertain significance (1); Likely benign (4). Last evaluated 2025-11-18.

Conditions:
FGFR2-related disorder. Identifiers: MedGen CN380096.
Inborn genetic diseases. Identifiers: MedGen C0950123, MeSH D030342.
FGFR2-related craniosynostosis. Identifiers: MedGen CN231480.

Allele frequency attached by ClinVar (database versions not stated): gnomAD exomes 0.00006; ExAC 0.00008; 1000 Genomes Project 30x 0.00016; 1000 Genomes Project 0.00020; gnomAD 0.00021 and 0.00022; ESP Exome Variant Server 0.00023; TOPMed 0.00028.
gnomAD v4.1: 105 of 1,614,172 alleles (0.0065%); highest among the groups gnomAD compares: African/African-American, 0.065%; no homozygotes.

Submissions (5):

Labcorp Genetics (formerly Invitae), Labcorp
Classification: Likely benign for FGFR2-related craniosynostosis. Last evaluated: 2025-11-18. Review status: criteria provided, single submitter. Criteria: Invitae Variant Classification Sherloc (09022015). Collection method: clinical testing. Allele origin: germline.

PreventionGenetics, part of Exact Sciences
Classification: Uncertain significance for FGFR2-related condition. Last evaluated: 2024-12-02. Review status: criteria provided, single submitter. Criteria: ACMG Guidelines, 2015. Collection method: clinical testing. Allele origin: germline.
Comment: The FGFR2 c.263T>C variant is predicted to result in the amino acid substitution p.Ile88Thr. To our knowledge, this variant has not been reported in the literature. This variant is reported in 0.044% of alleles in individuals of African descent in gnomAD. At this time, the clinical significance of this variant is uncertain due to the absence of conclusive functional and genetic evidence.

Blueprint Genetics
Classification: Likely benign. Last evaluated: 2024-11-26. Review status: criteria provided, single submitter. Criteria: ACMG Guidelines, 2015. Collection method: clinical testing. Allele origin: germline.

Ambry Genetics
Classification: Likely benign for Inborn genetic diseases. Last evaluated: 2022-01-28. Review status: criteria provided, single submitter. Criteria: Ambry Variant Classification Scheme 2023. Collection method: clinical testing. Allele origin: germline.

GeneDx
Classification: Likely benign. Last evaluated: 2021-06-08. Review status: criteria provided, single submitter. Criteria: GeneDx Variant Classification Process June 2021. Collection method: clinical testing. Allele origin: germline. Affected: yes.
Comment: This variant is associated with the following publications: (PMID: 26907448)

NM_000141.5(FGFR2):c.263T>C (p.Ile88Thr)

Gene: FGFR2 (fibroblast growth factor receptor 2; minus strand). Cytogenetic location: 10q26.13.
Variant type: single nucleotide variant.
Coding change: c.263T>C on transcript NM_000141.5 (MANE Select); coding-DNA position 263, T replaced by C.
Protein change: p.Ile88Thr; replaces isoleucine 88 with threonine.
Molecular consequence: missense variant. On other transcripts: intron variant (9).
Genome position (GRCh38, 1-based): chr10:121,565,551, A>G on the plus strand (T>C on the coding strand, the complement: FGFR2 is on the minus strand). VCF-style: chr10-121565551-A-G. GRCh37 (hg19) VCF-style: chr10-123325065-A-G.
Other names: c.263T>C, p.Ile88Thr (NM_001144913.1, NM_001144914.1, NM_001144917.2 and 3 more transcripts); c.110-14092T>C (NM_001144918.2, NM_001441091.1, NM_001441090.1 and 1 more transcripts); c.110-972T>C (NM_001441089.1, NM_023029.3, NM_001441088.1 and 2 more transcripts); short protein forms I88T.
Identifiers: ClinVar variation 1115796 (VCV001115796.15), dbSNP rs200369248, ClinGen allele CA5721184.